The following is an entry in ClinVar:

NM_020884.7(MYH7B):c.1240G>A (p.Val414Met)

Gene: MYH7B (myosin heavy chain 7B; plus strand). Cytogenetic location: 20q11.22.
Variant type: single nucleotide variant.
Coding change: c.1240G>A on transcript NM_020884.7 (MANE Select); coding-DNA position 1240, G replaced by A.
Protein change: p.Val414Met; replaces valine 414 with methionine.
Molecular consequence: missense variant.
Genome position (GRCh38, 1-based): chr20:34,987,649, G>A. VCF-style: chr20-34987649-G-A. GRCh37 (hg19) VCF-style: chr20-33575452-G-A.
Other names: c.1366G>A (NM_020884.3); short protein forms V414M.
Identifiers: ClinVar variation 1361399 (VCV001361399.8), dbSNP rs371353626, ClinGen allele CA9826867.

ClinVar aggregate classification (germline): Uncertain significance. Review status: criteria provided, multiple submitters, no conflicts (2 of 4 stars). 2 submissions from 2 submitters: Uncertain significance (2). Last evaluated 2025-01-28.

Allele frequency attached by ClinVar (database versions not stated): gnomAD 0.00001; gnomAD exomes 0.00002; TOPMed 0.00006; ExAC 0.00007; ESP Exome Variant Server 0.00008.
gnomAD v4.1: 30 of 1,613,584 alleles (0.0019%); highest among the groups gnomAD compares: Admixed American, 0.027%; no homozygotes.

Submissions (2):

Ambry Genetics
Classification: Uncertain significance. Last evaluated: 2025-01-28. Review status: criteria provided, single submitter. Criteria: Ambry Variant Classification Scheme 2023. Collection method: clinical testing. Allele origin: germline.

Labcorp Genetics (formerly Invitae), Labcorp
Classification: Uncertain significance. Last evaluated: 2024-02-23. Review status: criteria provided, single submitter. Criteria: Invitae Variant Classification Sherloc (09022015). Collection method: clinical testing. Allele origin: germline.
Comment: This sequence change replaces valine, which is neutral and non-polar, with methionine, which is neutral and non-polar, at codon 456 of the MYH7B protein (p.Val456Met). This variant is present in population databases (rs371353626, gnomAD 0.05%). This variant has not been reported in the literature in individuals affected with MYH7B-related conditions. ClinVar contains an entry for this variant (Variation ID: 1361399). Advanced modeling of protein sequence and biophysical properties (such as structural, functional, and spatial information, amino acid conservation, physicochemical variation, residue mobility, and thermodynamic stability) performed at Invitae indicates that this missense variant is expected to disrupt MYH7B protein function with a positive predictive value of 80%. In summary, the available evidence is currently insufficient to determine the role of this variant in disease. Therefore, it has been classified as a Variant of Uncertain Significance.